The following is an entry in ClinVar:

ClinVar aggregate classification (germline): Uncertain significance (0 of 4 stars; one submission).

Conditions:
PKHD1-related disorder. Also called: PKHD1-related condition.

Submission:

PreventionGenetics, part of Exact Sciences
Classification: Uncertain significance for PKHD1-related condition. Last evaluated: 2023-11-29. Review status: no assertion criteria provided. Collection method: clinical testing. Allele origin: germline.
Comment: The PKHD1 c.10907A>T variant is predicted to result in the amino acid substitution p.Gln3636Leu. To our knowledge, this variant has not been reported in the literature or a large population database. At this time, the clinical significance of this variant is uncertain due to the absence of conclusive functional and genetic evidence.

NM_138694.4(PKHD1):c.10907A>T (p.Gln3636Leu)

Gene: PKHD1 (PKHD1 ciliary IPT domain containing fibrocystin/polyductin; minus strand). Cytogenetic location: 6p12.3.
Variant type: single nucleotide variant.
Coding change: c.10907A>T on transcript NM_138694.4 (MANE Select); coding-DNA position 10907, A replaced by T.
Protein change: p.Gln3636Leu; replaces glutamine 3636 with leucine.
Molecular consequence: missense variant.
Genome position (GRCh38, 1-based): chr6:51,659,219, T>A on the plus strand (A>T on the coding strand, the complement: PKHD1 is on the minus strand). VCF-style: chr6-51659219-T-A. GRCh37 (hg19) VCF-style: chr6-51524017-T-A.
Other names: short protein forms Q3636L.
Identifiers: ClinVar variation 3044751 (VCV003044751.2), dbSNP rs1295672080, ClinGen allele CA364431353.